The following is an entry in ClinVar:

NM_004370.6(COL12A1):c.6409G>C (p.Asp2137His)

Gene: COL12A1 (collagen type XII alpha 1 chain; minus strand). Cytogenetic location: 6q13.
Variant type: single nucleotide variant.
Coding change: c.6409G>C on transcript NM_004370.6 (MANE Select); coding-DNA position 6409, G replaced by C.
Protein change: p.Asp2137His; replaces aspartic acid 2137 with histidine.
Molecular consequence: missense variant.
Genome position (GRCh38, 1-based): chr6:75,126,402, C>G on the plus strand (G>C on the coding strand, the complement: COL12A1 is on the minus strand). VCF-style: chr6-75126402-C-G. GRCh37 (hg19) VCF-style: chr6-75836118-C-G.
Other names: c.2917G>C, p.Asp973His (NM_080645.3); short protein forms D2137H, D973H.
Identifiers: ClinVar variation 1903950 (VCV001903950.5), dbSNP rs1331786403, ClinGen allele CA364730073.

ClinVar aggregate classification (germline): Uncertain significance (1 of 4 stars; one submission).

Conditions:
Ullrich congenital muscular dystrophy 2 (UCMD2). Identifiers: Orphanet 75840, MedGen C4225314, MONDO:0014654, OMIM 616470.
Bethlem myopathy 2 (BTHLM2). Identifiers: Orphanet 536516, Orphanet 610, MedGen C4225313, MONDO:0034022, OMIM 616471.

Allele frequency attached by ClinVar (database versions not stated): TOPMed 0.00001.

Submission:

Labcorp Genetics (formerly Invitae), Labcorp
Classification: Uncertain significance for Bethlem myopathy 2; Ullrich congenital muscular dystrophy 2. Last evaluated: 2025-06-06. Review status: criteria provided, single submitter. Criteria: Invitae Variant Classification Sherloc (09022015). Collection method: clinical testing. Allele origin: germline.
Comment: This sequence change replaces aspartic acid, which is acidic and polar, with histidine, which is basic and polar, at codon 2137 of the COL12A1 protein (p.Asp2137His). This variant is not present in population databases (gnomAD no frequency). This variant has not been reported in the literature in individuals affected with COL12A1-related conditions. ClinVar contains an entry for this variant (Variation ID: 1903950). Invitae Evidence Modeling of protein sequence and biophysical properties (such as structural, functional, and spatial information, amino acid conservation, physicochemical variation, residue mobility, and thermodynamic stability) has been performed for this missense variant. However, the output from this modeling did not meet the statistical confidence thresholds required to predict the impact of this variant on COL12A1 protein function. In summary, the available evidence is currently insufficient to determine the role of this variant in disease. Therefore, it has been classified as a Variant of Uncertain Significance.